The following is an entry in ClinVar:

NM_007118.4(TRIO):c.9251G>A (p.Ser3084Asn)

Gene: TRIO (trio Rho guanine nucleotide exchange factor; plus strand). Cytogenetic location: 5p15.2.
Variant type: single nucleotide variant.
Coding change: c.9251G>A on transcript NM_007118.4 (MANE Select); coding-DNA position 9251, G replaced by A.
Protein change: p.Ser3084Asn; replaces serine 3084 with asparagine.
Molecular consequence: missense variant. On other transcripts: non-coding transcript variant (1).
Genome position (GRCh38, 1-based): chr5:14,508,379, G>A. VCF-style: chr5-14508379-G-A. GRCh37 (hg19) VCF-style: chr5-14508488-G-A.
Other names: short protein forms S3084N.
Identifiers: ClinVar variation 2655365 (VCV002655365.24), dbSNP rs950436735, ClinGen allele CA114017912.

ClinVar aggregate classification (germline): Uncertain significance (1 of 4 stars; one submission).

gnomAD v4.1: 1 of 1,613,598 alleles (0.000062%); highest among the groups gnomAD compares: Non-Finnish European, 0.000085%; no homozygotes.

Submission:

CeGaT Center for Human Genetics Tuebingen
Classification: Uncertain significance. Last evaluated: 2022-07-01. Review status: criteria provided, single submitter. Criteria: CeGaT Center For Human Genetics Tuebingen Variant Classification Criteria Version 2. Collection method: clinical testing. Allele origin: germline. Affected: yes. Observed: 1 variant allele.
Comment: TRIO: PM2